The following is an entry in ClinVar:

NM_006642.5(SDCCAG8):c.1959G>T (p.Gly653=)

Gene: SDCCAG8 (SHH signaling and ciliogenesis regulator SDCCAG8; plus strand). Cytogenetic location: 1q43.
Variant type: single nucleotide variant.
Coding change: c.1959G>T on transcript NM_006642.5 (MANE Select); coding-DNA position 1959, G replaced by T.
Protein change: p.Gly653=; no amino-acid change (glycine 653 retained).
Molecular consequence: synonymous variant.
Genome position (GRCh38, 1-based): chr1:243,426,532, G>T. VCF-style: chr1-243426532-G-T. GRCh37 (hg19) VCF-style: chr1-243589834-G-T.
Other names: c.1056G>T, p.Gly352= (NM_001350246.2, NM_001350247.2, NM_001350251.2); c.2055G>T, p.Gly685= (NM_001350248.2); c.1665G>T, p.Gly555= (NM_001350249.2).
Identifiers: ClinVar variation 4978565 (VCV004978565.1).

ClinVar aggregate classification (germline): Likely benign (1 of 4 stars; one submission).

Conditions:
SDCCAG8-related disorder. Also called: SDCCAG8-related condition; SDCCAG8-Related Disorders.

Submission:

PreventionGenetics, part of Exact Sciences
Classification: Likely benign for SDCCAG8-related condition. Last evaluated: 2026-09-08. Review status: criteria provided, single submitter. Criteria: ACMG Guidelines, 2015. Collection method: clinical testing. Allele origin: germline.
Comment: This variant is classified as likely benign based on ACMG/AMP sequence variant interpretation guidelines (Richards et al. 2015 PMID: 25741868, with internal and published modifications).